The following is an entry in ClinVar:

ClinVar aggregate classification (germline): Conflicting classifications of pathogenicity. Review status: criteria provided, conflicting classifications (1 of 4 stars). 3 submissions from 3 submitters: Uncertain significance (1); Likely benign (2). Last evaluated 2026-08-04.

Conditions:
Congenital myasthenic syndrome (CMS). Also called: Congenital Myasthenic Syndromes. Identifiers: Orphanet 590, MedGen C0751882, MeSH D020294, MONDO:0018940.
Congenital myasthenic syndrome 4A. Also called: MYASTHENIC SYNDROME, CONGENITAL, 4A, SLOW-CHANNEL, AUTOSOMAL RECESSIVE; CONGENITAL MYASTHENIC SYNDROME TYPE Ia1; Myasthenic syndrome, congenital, 4a, slow-channel. Identifiers: Orphanet 590, MedGen C4225413, MONDO:0011600, OMIM 605809.

Submissions (3):

Myriad Genetics, Inc.
Classification: Uncertain significance for Congenital myasthenic syndrome. Last evaluated: 2026-08-04. Review status: criteria provided, single submitter. Criteria: Myriad Autosomal Dominant, Autosomal Recessive and X-Linked Classification Criteria (2023). Collection method: clinical testing. Allele origin: unknown.
Comment: NM_000080.3(CHRNE):c.1326+13_1326+32del20 is an intronic variant classified as a variant of uncertain significance in the context of congenital myasthenic syndrome, CHRNE-related. c.1326+13_1326+32del20 has not been observed in cases with relevant disease. Relevant functional assessments of this variant are not available in the literature. c.1326+13_1326+32del20 has not been observed in referenced population frequency databases. In summary, there is insufficient evidence to classify NM_000080.3(CHRNE):c.1326+13_1326+32del20 as pathogenic or benign. Please note: this variant was assessed in the context of healthy population screening.

Labcorp Genetics (formerly Invitae), Labcorp
Classification: Likely benign for Congenital myasthenic syndrome 4A. Last evaluated: 2024-02-12. Review status: criteria provided, single submitter. Criteria: Invitae Variant Classification Sherloc (09022015). Collection method: clinical testing. Allele origin: germline.

GeneDx
Classification: Likely benign. Last evaluated: 2016-12-01. Review status: criteria provided, single submitter. Criteria: GeneDx Variant Classification (06012015). Collection method: clinical testing. Allele origin: germline. Affected: yes.
Comment: This variant is considered likely benign or benign based on one or more of the following criteria: it is a conservative change, it occurs at a poorly conserved position in the protein, it is predicted to be benign by multiple in silico algorithms, and/or has population frequency not consistent with disease.

NM_000080.4(CHRNE):c.1326+13_1326+32del

Gene: CHRNE (cholinergic receptor nicotinic epsilon subunit; minus strand). Cytogenetic location: 17p13.2.
Variant type: Deletion.
Coding change: c.1326+13_1326+32del on transcript NM_000080.4 (MANE Select); bases 13 to 32 of the intron after coding-DNA position 1326, 20 bases deleted (CCAGAGGCGGGTGGAGCGAG).
Molecular consequence: intron variant.
Genome position (GRCh38, 1-based): chr17:4,898,969-4,898,988, CTCGCTCCACCCGCCTCTGG deleted on the plus strand (CCAGAGGCGGGTGGAGCGAG on the coding strand, the reverse complement: CHRNE is on the minus strand); deleting any 20 consecutive bases within chr17:4,898,969-4,898,991 gives the same sequence; the c. name uses the placement nearest the transcript's 3' end. VCF-style (leftmost placement, unchanged base first): chr17-4898968-CCTCGCTCCACCCGCCTCTGG-C. GRCh37 (hg19) VCF-style: chr17-4802263-CCTCGCTCCACCCGCCTCTGG-C.
Other names: c.1326+13_1326+32delCCAGAGGCGGGTGGAGCGAG (NM_000080.3); c.1326+13_1326+32del (LRG_1254t1).
Identifiers: ClinVar variation 419903 (VCV000419903.5), dbSNP rs780277856, ClinGen allele CA8313879.
Genomic context (GRCh38, chr17:4,898,968, plus strand): 5'-ACAGTCAGTAAAGAGGCAGCTGCAGGAGCCAGCGGCATGGGAGACAGTGGTGGGCCTCTG[CCTCGCTCCACCCGCCTCTGG>C]CTCCTGTCCCACCTCGCCGGTGGCCTCCTGATCTCTCGTGCTCTCGGCCACGAAGTTCAC-3'